The following is an entry in ClinVar:

NM_001035.3(RYR2):c.11402+2T>G

Gene: RYR2 (ryanodine receptor 2; plus strand). Cytogenetic location: 1q43.
Variant type: single nucleotide variant.
Coding change: c.11402+2T>G on transcript NM_001035.3 (MANE Select); the canonical splice donor site of the intron after coding-DNA position 11402, T replaced by G.
Molecular consequence: splice donor variant.
Genome position (GRCh38, 1-based): chr1:237,759,854, T>G. VCF-style: chr1-237759854-T-G. GRCh37 (hg19) VCF-style: chr1-237923154-T-G.
Identifiers: ClinVar variation 3257516 (VCV003257516.17).

ClinVar aggregate classification (germline): Uncertain significance (1 of 4 stars; one submission).

Submission:

CeGaT Center for Human Genetics Tuebingen
Classification: Uncertain significance. Last evaluated: 2024-07-01. Review status: criteria provided, single submitter. Criteria: CeGaT Center For Human Genetics Tuebingen Variant Classification Criteria Version 2. Collection method: clinical testing. Allele origin: germline. Affected: yes. Observed: 1 variant allele.
Comment: RYR2: PM2, PVS1:Moderate